The following is an entry in ClinVar:

ClinVar aggregate classification (germline): Uncertain significance. Review status: criteria provided, multiple submitters, no conflicts (2 of 4 stars). 5 submissions from 5 submitters: Uncertain significance (5). Last evaluated 2025-06-18.

Conditions:
Hyperplastic polyposis syndrome. Identifiers: Orphanet 157798, MedGen C4296896, MONDO:0015524.

Allele frequency attached by ClinVar (database versions not stated): gnomAD 0.00001; TOPMed 0.00001; gnomAD exomes 0.00002; ESP Exome Variant Server 0.00008.
gnomAD v4.1: 44 of 1,612,230 alleles (0.0027%); highest among the groups gnomAD compares: Admixed American, 0.0033%; no homozygotes.

Submissions (5):

Labcorp Genetics (formerly Invitae), Labcorp
Classification: Uncertain significance. Last evaluated: 2025-06-18. Review status: criteria provided, single submitter. Criteria: Invitae Variant Classification Sherloc (09022015). Collection method: clinical testing. Allele origin: germline.
Comment: This sequence change replaces serine, which is neutral and polar, with leucine, which is neutral and non-polar, at codon 535 of the RNF43 protein (p.Ser535Leu). This variant is present in population databases (rs369428576, gnomAD 0.006%). This variant has not been reported in the literature in individuals affected with RNF43-related conditions. ClinVar contains an entry for this variant (Variation ID: 1437324). An algorithm developed to predict the effect of missense changes on protein structure and function (PolyPhen-2) suggests that this variant is likely to be tolerated. In summary, the available evidence is currently insufficient to determine the role of this variant in disease. Therefore, it has been classified as a Variant of Uncertain Significance.

Center for Genomic Medicine, Rigshospitalet, Copenhagen University Hospital
Classification: Uncertain significance. Last evaluated: 2025-03-04. Review status: criteria provided, single submitter. Criteria: ACMG Guidelines, 2015. Collection method: clinical testing. Allele origin: germline.

Ambry Genetics
Classification: Uncertain significance. Last evaluated: 2025-01-03. Review status: criteria provided, single submitter. Criteria: Ambry Variant Classification Scheme 2023. Collection method: clinical testing. Allele origin: germline.
Comment: The p.S535L variant (also known as c.1604C>T), located in coding exon 8 of the RNF43 gene, results from a C to T substitution at nucleotide position 1604. The serine at codon 535 is replaced by leucine, an amino acid with dissimilar properties. This amino acid position is conserved. In addition, this alteration is predicted to be tolerated by in silico analysis. Based on the available evidence, the clinical significance of this variant remains unclear.

GeneDx
Classification: Uncertain significance. Last evaluated: 2022-05-13. Review status: criteria provided, single submitter. Criteria: GeneDx Variant Classification Process June 2021. Collection method: clinical testing. Allele origin: germline. Affected: yes.
Comment: Variants in candidate genes are classified as variants of uncertain significance in accordance with ACMG guidelines (Richards et al., 2015); Has not been previously published as pathogenic or benign to our knowledge; In silico analysis supports that this missense variant does not alter protein structure/function; Not observed at significant frequency in large population cohorts (gnomAD)

Department of Pathology and Laboratory Medicine, Sinai Health System
Classification: Uncertain significance for Hyperplastic polyposis syndrome. Last evaluated: 2021-10-27. Review status: criteria provided, single submitter. Criteria: ACMG Guidelines, 2015. Collection method: clinical testing. Allele origin: germline. Affected: yes.

NM_017763.6(RNF43):c.1604C>T (p.Ser535Leu)

Gene: RNF43 (ring finger protein 43; minus strand). Cytogenetic location: 17q22.
Variant type: single nucleotide variant.
Coding change: c.1604C>T on transcript NM_017763.6 (MANE Select); coding-DNA position 1604, C replaced by T.
Protein change: p.Ser535Leu; replaces serine 535 with leucine.
Molecular consequence: missense variant.
Genome position (GRCh38, 1-based): chr17:58,358,172, G>A on the plus strand (C>T on the coding strand, the complement: RNF43 is on the minus strand). VCF-style: chr17-58358172-G-A. GRCh37 (hg19) VCF-style: chr17-56435533-G-A.
Other names: c.1604C>T (NM_017763.4); c.1604C>T, p.Ser535Leu (NM_001305544.3); c.1223C>T, p.Ser408Leu (NM_001305545.2); short protein forms S408L, S535L.
Identifiers: ClinVar variation 1437324 (VCV001437324.15), dbSNP rs369428576, ClinGen allele CA292012431.